The following is an entry in ClinVar:

NM_030973.4(MED25):c.1508C>T (p.Thr503Met)

Gene: MED25 (mediator complex subunit 25; plus strand). Cytogenetic location: 19q13.33.
Variant type: single nucleotide variant.
Coding change: c.1508C>T on transcript NM_030973.4 (MANE Select); coding-DNA position 1508, C replaced by T.
Protein change: p.Thr503Met; replaces threonine 503 with methionine.
Molecular consequence: missense variant.
Genome position (GRCh38, 1-based): chr19:49,835,011, C>T. VCF-style: chr19-49835011-C-T. GRCh37 (hg19) VCF-style: chr19-50338268-C-T.
Other names: c.1508C>T, p.Thr503Met (NM_001378355.1); short protein forms T503M.
Identifiers: ClinVar variation 849311 (VCV000849311.8), dbSNP rs759574296, ClinGen allele CA9585300.

ClinVar aggregate classification (germline): Uncertain significance (1 of 4 stars; one submission).

Conditions:
Charcot-Marie-Tooth disease type 2. Also called: Charcot-Marie-Tooth type 2. Identifiers: Orphanet 64746, MedGen C0270914, MONDO:0018993.

Allele frequency attached by ClinVar (database versions not stated): ExAC 0.00002; gnomAD exomes 0.00003 and 0.00001; gnomAD 0.00003; TOPMed 0.00003.

Submission:

Labcorp Genetics (formerly Invitae), Labcorp
Classification: Uncertain significance for Charcot-Marie-Tooth disease type 2. Last evaluated: 2025-10-03. Review status: criteria provided, single submitter. Criteria: Invitae Variant Classification Sherloc (09022015). Collection method: clinical testing. Allele origin: germline.
Comment: This sequence change replaces threonine, which is neutral and polar, with methionine, which is neutral and non-polar, at codon 503 of the MED25 protein (p.Thr503Met). This variant is present in population databases (rs759574296, gnomAD 0.008%). This variant has not been reported in the literature in individuals affected with MED25-related conditions. ClinVar contains an entry for this variant (Variation ID: 849311). An algorithm developed to predict the effect of missense changes on protein structure and function (PolyPhen-2) suggests that this variant is likely to be tolerated. In summary, the available evidence is currently insufficient to determine the role of this variant in disease. Therefore, it has been classified as a Variant of Uncertain Significance.